The following is an entry in ClinVar:

NM_152492.3(CCDC27):c.1170G>A (p.Pro390=)

Gene: CCDC27 (coiled-coil domain containing 27; plus strand). Cytogenetic location: 1p36.32.
Variant type: single nucleotide variant.
Coding change: c.1170G>A on transcript NM_152492.3 (MANE Select); coding-DNA position 1170, G replaced by A.
Protein change: p.Pro390=; no amino-acid change (proline 390 retained).
Molecular consequence: synonymous variant.
Genome position (GRCh38, 1-based): chr1:3,763,323, G>A. VCF-style: chr1-3763323-G-A. GRCh37 (hg19) VCF-style: chr1-3679887-G-A.
Identifiers: ClinVar variation 2638106 (VCV002638106.24), dbSNP rs141116417, ClinGen allele CA550286.
Genomic context (GRCh38, chr1:3,763,323, plus strand): 5'-CGAGGAGGAGGAAGAGGAGGAAGGGGACAGGGATGAGGACTCAGAGGAAAGGGAGCTGCC[G>A]GAGGAAGAGGAGATCCCCAGGAGAAGGGCCTCCTCCCTGGCCGAGTCGTTTGAGGAGGAG-3'
Protein context (NP_689705.2, residues 380-400): RDEDSEEREL[Pro390=]EEEEIPRRRA

ClinVar aggregate classification (germline): Likely benign (1 of 4 stars; one submission).

Allele frequency attached by ClinVar (database versions not stated): 1000 Genomes Project 0.00339; 1000 Genomes Project 30x 0.00375; gnomAD exomes 0.00443; ExAC 0.00484; gnomAD 0.00505; TOPMed 0.00544; ESP Exome Variant Server 0.00569.
gnomAD v4.1: 7,203 of 1,611,994 alleles (0.45%); highest among the groups gnomAD compares: African/African-American, 0.71%; 20 homozygotes.

Submission:

CeGaT Center for Human Genetics Tuebingen
Classification: Likely benign. Last evaluated: 2023-05-01. Review status: criteria provided, single submitter. Criteria: CeGaT Center For Human Genetics Tuebingen Variant Classification Criteria Version 2. Collection method: clinical testing. Allele origin: germline. Affected: yes. Observed: 1 variant allele.
Comment: CCDC27: BP4, BP7, BS2